The following is an entry in ClinVar:

ClinVar aggregate classification (germline): Uncertain significance (1 of 4 stars; one submission).

Conditions:
Early-infantile DEE. Also called: Early infantile epileptic encephalopathy with suppression bursts; Early infantile epileptic encephalopathy; Ohtahara syndrome. Identifiers: Orphanet 1934, MedGen C0393706, MONDO:0800491.

Submission:

Labcorp Genetics (formerly Invitae), Labcorp
Classification: Uncertain significance for Early-infantile DEE. Last evaluated: 2023-07-19. Review status: criteria provided, single submitter. Criteria: Invitae Variant Classification Sherloc (09022015). Collection method: clinical testing. Allele origin: germline.
Comment: This sequence change replaces serine, which is neutral and polar, with threonine, which is neutral and polar, at codon 1061 of the SPTAN1 protein (p.Ser1061Thr). This variant is not present in population databases (gnomAD no frequency). This variant has not been reported in the literature in individuals affected with SPTAN1-related conditions. Advanced modeling of protein sequence and biophysical properties (such as structural, functional, and spatial information, amino acid conservation, physicochemical variation, residue mobility, and thermodynamic stability) has been performed at Invitae for this missense variant, however the output from this modeling did not meet the statistical confidence thresholds required to predict the impact of this variant on SPTAN1 protein function. In summary, the available evidence is currently insufficient to determine the role of this variant in disease. Therefore, it has been classified as a Variant of Uncertain Significance.

NM_001130438.3(SPTAN1):c.3182G>C (p.Ser1061Thr)

Gene: SPTAN1 (spectrin alpha, non-erythrocytic 1; plus strand). Cytogenetic location: 9q34.11.
Variant type: single nucleotide variant.
Coding change: c.3182G>C on transcript NM_001130438.3 (MANE Select); coding-DNA position 3182, G replaced by C.
Protein change: p.Ser1061Thr; replaces serine 1061 with threonine.
Molecular consequence: missense variant. On other transcripts: intron variant (3).
Genome position (GRCh38, 1-based): chr9:128,593,009, G>C. VCF-style: chr9-128593009-G-C. GRCh37 (hg19) VCF-style: chr9-131355288-G-C.
Other names: c.3182G>C, p.Ser1061Thr (NM_001363759.2, NM_001375310.1, NM_001375311.2 and 2 more transcripts); c.3218G>C, p.Ser1073Thr (NM_001375312.2, NM_001375318.1); c.3156-1166G>C (NM_001375314.2, NM_001363765.2, NM_001195532.2); short protein forms S1073T, S1061T.
Identifiers: ClinVar variation 2745078 (VCV002745078.3), dbSNP rs2541426498, ClinGen allele CA375061332.